The following is an entry in ClinVar:

NM_000188.3(HK1):c.2650C>A (p.Pro884Thr)

Gene: HK1 (hexokinase 1; plus strand). Cytogenetic location: 10q22.1.
Variant type: single nucleotide variant.
Coding change: c.2650C>A on transcript NM_000188.3 (MANE Select); coding-DNA position 2650, C replaced by A.
Protein change: p.Pro884Thr; replaces proline 884 with threonine.
Molecular consequence: missense variant. On other transcripts: non-coding transcript variant (2).
Genome position (GRCh38, 1-based): chr10:69,401,031, C>A. VCF-style: chr10-69401031-C-A. GRCh37 (hg19) VCF-style: chr10-71160787-C-A.
Other names: c.2662C>A, p.Pro888Thr (NM_001322364.2, NM_001358263.1, NM_033497.3 and 1 more transcripts); c.2755C>A, p.Pro919Thr (NM_001322365.2); c.2566C>A, p.Pro856Thr (NM_001322366.1, NM_001441143.1); c.2554C>A, p.Pro852Thr (NM_001322367.1); c.2647C>A, p.Pro883Thr (NM_001441139.1, NM_033496.3); c.2641C>A, p.Pro881Thr (NM_001441140.1, NM_001441141.1); c.2608C>A, p.Pro870Thr (NM_001441142.1); c.2530C>A, p.Pro844Thr (NM_001441144.1, NM_001441145.1); and 9 more; short protein forms P671T, P810T, P852T, P856T, P870T, P884T, P872T, P548T.
Identifiers: ClinVar variation 4771387 (VCV004771387.1).
Genomic context (GRCh38, chr10:69,401,031, plus strand): 5'-TGTTTTCTCGTCCTTTTTAGCTTCTCCAGAATCATGCACCAGACGGTGAAGGAACTGTCA[C>A]CAAAATGTAACGTGTCCTTCCTCCTGTCTGAGGATGGCAGCGGCAAGGGGGCCGCCCTCA-3'
Protein context (NP_000179.2, residues 874-894): IMHQTVKELS[Pro884Thr]KCNVSFLLSE

ClinVar aggregate classification (germline): Uncertain significance (1 of 4 stars; one submission).

Submission:

Labcorp Genetics (formerly Invitae), Labcorp
Classification: Uncertain significance. Last evaluated: 2025-05-26. Review status: criteria provided, single submitter. Criteria: Invitae Variant Classification Sherloc (09022015). Collection method: clinical testing. Allele origin: germline.
Comment: This sequence change replaces proline, which is neutral and non-polar, with threonine, which is neutral and polar, at codon 884 of the HK1 protein (p.Pro884Thr). This variant is not present in population databases (gnomAD no frequency). This variant has not been reported in the literature in individuals affected with HK1-related conditions. Invitae Evidence Modeling of protein sequence and biophysical properties (such as structural, functional, and spatial information, amino acid conservation, physicochemical variation, residue mobility, and thermodynamic stability) has been performed for this missense variant. However, the output from this modeling did not meet the statistical confidence thresholds required to predict the impact of this variant on HK1 protein function. In summary, the available evidence is currently insufficient to determine the role of this variant in disease. Therefore, it has been classified as a Variant of Uncertain Significance.